The following is an entry in ClinVar:

ClinVar aggregate classification (germline): Likely benign. Review status: criteria provided, multiple submitters, no conflicts (2 of 4 stars). 4 submissions from 4 submitters: Likely benign (4). Last evaluated 2025-12-22.

Conditions:
MYO7A-related disorder. Also called: MYO7A-related disorders.
Usher syndrome type 1 (USH1). Also called: RETINITIS PIGMENTOSA AND CONGENITAL DEAFNESS. Identifiers: Orphanet 231169, Orphanet 886, MedGen C1568247, MONDO:0010168, OMIM 276900.
Autosomal recessive nonsyndromic hearing loss 2. Also called: DEAFNESS, AUTOSOMAL RECESSIVE 2; NEUROSENSORY NONSYNDROMIC RECESSIVE DEAFNESS 2. Identifiers: Orphanet 90636, MedGen C1838701, MONDO:0010807, OMIM 600060.
Autosomal dominant nonsyndromic hearing loss 11. Identifiers: Orphanet 90635, MedGen C1832475, MONDO:0011032, OMIM 601317.

Allele frequency attached by ClinVar (database versions not stated): ExAC 0.00002; gnomAD 0.00007 and 0.00010; TOPMed 0.00010; ESP Exome Variant Server 0.00016.
gnomAD v4.1: 31 of 1,606,108 alleles (0.0019%); highest among the groups gnomAD compares: African/African-American, 0.037%; no homozygotes.

Submissions (4):

Labcorp Genetics (formerly Invitae), Labcorp
Classification: Likely benign. Last evaluated: 2025-12-22. Review status: criteria provided, single submitter. Criteria: Invitae Variant Classification Sherloc (09022015). Collection method: clinical testing. Allele origin: germline.

PreventionGenetics, part of Exact Sciences
Classification: Likely benign for MYO7A-related condition. Last evaluated: 2025-05-15. Review status: criteria provided, single submitter. Criteria: ACMG Guidelines, 2015. Collection method: clinical testing. Allele origin: germline.
Comment: This variant is classified as likely benign based on ACMG/AMP sequence variant interpretation guidelines (Richards et al. 2015 PMID: 25741868, with internal and published modifications).

Fulgent Genetics
Classification: Likely benign for Usher syndrome type 1; Autosomal recessive nonsyndromic hearing loss 2; Autosomal dominant nonsyndromic hearing loss 11. Last evaluated: 2022-05-13. Review status: criteria provided, single submitter. Criteria: ACMG Guidelines, 2015. Collection method: clinical testing. Allele origin: unknown.

Blueprint Genetics
Classification: Likely benign. Last evaluated: 2020-04-14. Review status: criteria provided, single submitter. Criteria: ACMG Guidelines, 2015. Collection method: clinical testing. Allele origin: germline.

NM_000260.4(MYO7A):c.4353C>T (p.Ala1451=)

Gene: MYO7A (myosin VIIA; plus strand). Cytogenetic location: 11q13.5.
Variant type: single nucleotide variant.
Coding change: c.4353C>T on transcript NM_000260.4 (MANE Select); coding-DNA position 4353, C replaced by T.
Protein change: p.Ala1451=; no amino-acid change (alanine 1451 retained).
Molecular consequence: synonymous variant.
Genome position (GRCh38, 1-based): chr11:77,197,510, C>T. VCF-style: chr11-77197510-C-T. GRCh37 (hg19) VCF-style: chr11-76908555-C-T.
Other names: c.4353C>T, p.Ala1451= (NM_001127180.2); c.4320C>T, p.Ala1440= (NM_001369365.1).
Identifiers: ClinVar variation 792434 (VCV000792434.13), dbSNP rs372336857, ClinGen allele CA6198428.